The following is an entry in ClinVar:

NM_000203.5(IDUA):c.718C>T (p.His240Tyr)

Gene: IDUA (alpha-L-iduronidase; plus strand). Cytogenetic location: 4p16.3.
Variant type: single nucleotide variant.
Coding change: c.718C>T on transcript NM_000203.5 (MANE Select); coding-DNA position 718, C replaced by T.
Protein change: p.His240Tyr; replaces histidine 240 with tyrosine.
Molecular consequence: missense variant. On other transcripts: non-coding transcript variant (1).
Genome position (GRCh38, 1-based): chr4:1,001,807, C>T. VCF-style: chr4-1001807-C-T. GRCh37 (hg19) VCF-style: chr4-995595-C-T.
Other names: c.322C>T, p.His108Tyr (NM_001363576.1); short protein forms H108Y, H240Y.
Identifiers: ClinVar variation 2415868 (VCV002415868.7), dbSNP rs1374359136, ClinGen allele CA355962124.

ClinVar aggregate classification (germline): Likely pathogenic (1 of 4 stars; one submission).

Conditions:
Mucopolysaccharidosis type 1. Also called: IDUA deficiency; MPS I; Mucopolysaccharidosis Type I. Identifiers: Orphanet 579, MedGen C0023786, MONDO:0001586.

Allele frequency attached by ClinVar (database versions not stated): TOPMed below 0.00001.

Submission:

Labcorp Genetics (formerly Invitae), Labcorp
Classification: Likely pathogenic for Mucopolysaccharidosis type 1. Last evaluated: 2024-10-17. Review status: criteria provided, single submitter. Criteria: Invitae Variant Classification Sherloc (09022015). Collection method: clinical testing. Allele origin: germline.
Comment: This sequence change replaces histidine, which is basic and polar, with tyrosine, which is neutral and polar, at codon 240 of the IDUA protein (p.His240Tyr). This variant is not present in population databases (gnomAD no frequency). This variant has not been reported in the literature in individuals affected with IDUA-related conditions. ClinVar contains an entry for this variant (Variation ID: 2415868). Invitae Evidence Modeling of protein sequence and biophysical properties (such as structural, functional, and spatial information, amino acid conservation, physicochemical variation, residue mobility, and thermodynamic stability) has been performed for this missense variant. However, the output from this modeling did not meet the statistical confidence thresholds required to predict the impact of this variant on IDUA protein function. This variant disrupts the p.His240 amino acid residue in IDUA. Other variant(s) that disrupt this residue have been determined to be pathogenic (PMID: 11735025, 22976768). This suggests that this residue is clinically significant, and that variants that disrupt this residue are likely to be disease-causing. In summary, the currently available evidence indicates that the variant is pathogenic, but additional data are needed to prove that conclusively. Therefore, this variant has been classified as Likely Pathogenic.

Literature cited by the submitters: PubMed 11735025; PubMed 22976768.